The following is an entry in ClinVar:

ClinVar aggregate classification (germline): Uncertain significance (1 of 4 stars; one submission).

Submission:

Women's Health and Genetics/Laboratory Corporation of America, LabCorp
Classification: Uncertain significance. Last evaluated: 2022-04-26. Review status: criteria provided, single submitter. Criteria: LabCorp Variant Classification Summary - May 2015. Collection method: clinical testing. Allele origin: germline.
Comment: Variant summary: PHF21A c.640A>G (p.Lys214Glu) results in a conservative amino acid change in the encoded protein sequence. Three of five in-silico tools predict a benign effect of the variant on protein function. The variant was absent in 251192 control chromosomes. The available data on variant occurrences in the general population are insufficient to allow any conclusion about variant significance. To our knowledge, no occurrence of c.640A>G in individuals affected with Intellectual Developmental Disorder With Behavioral Abnormalities And Craniofacial Dysmorphism With Or Without Seizures and no experimental evidence demonstrating its impact on protein function have been reported. No clinical diagnostic laboratories have submitted clinical-significance assessments for this variant to ClinVar after 2014. Based on the evidence outlined above, the variant was classified as uncertain significance.

NM_001352027.3(PHF21A):c.643A>G (p.Lys215Glu)

Gene: PHF21A (PHD finger protein 21A; minus strand). Cytogenetic location: 11p11.2.
Variant type: single nucleotide variant.
Coding change: c.643A>G on transcript NM_001352027.3 (MANE Select); coding-DNA position 643, A replaced by G.
Protein change: p.Lys215Glu; replaces lysine 215 with glutamic acid.
Molecular consequence: missense variant. On other transcripts: non-coding transcript variant (2).
Genome position (GRCh38, 1-based): chr11:45,969,874, T>C on the plus strand (A>G on the coding strand, the complement: PHF21A is on the minus strand). VCF-style: chr11-45969874-T-C. GRCh37 (hg19) VCF-style: chr11-45991425-T-C.
Other names: c.640A>G, p.Lys214Glu (NM_001101802.3, NM_001352030.3, NM_001352031.3 and 1 more transcripts); c.643A>G, p.Lys215Glu (NM_001352025.3, NM_001352026.3, NM_001352028.1 and 2 more transcripts); short protein forms K214E, K215E.
Identifiers: ClinVar variation 1683277 (VCV001683277.1), dbSNP rs2136046833, ClinGen allele CA380208682.
Genomic context (GRCh38, chr11:45,969,874, plus strand): 5'-CCTGTGGAAGAAAGTTTGGACGTGGAGTGAGTCTAGGAGGGGGGATAAACTGTGGTACTT[T>C]GATGGGCTGAGGAGGTGTTGCCTGAACCTGCTAAAAAATGAGGAAGATAAATAAACCAGA-3'
Protein context (NP_001338956.1, residues 205-225): QVQATPPQPI[Lys215Glu]VPQFIPPPRL